The following is an entry in ClinVar:

ClinVar aggregate classification (germline): Likely pathogenic (1 of 4 stars; one submission).

Conditions:
Mitochondrial trifunctional protein deficiency. Identifiers: Orphanet 746, MedGen C1969443, MONDO:0012172.

Allele frequency attached by ClinVar (database versions not stated): gnomAD exomes below 0.00001; TOPMed 0.00001.

Submission:

Labcorp Genetics (formerly Invitae), Labcorp
Classification: Likely pathogenic for Mitochondrial trifunctional protein deficiency. Last evaluated: 2025-08-18. Review status: criteria provided, single submitter. Criteria: Invitae Variant Classification Sherloc (09022015). Collection method: clinical testing. Allele origin: germline.
Comment: This sequence change affects an acceptor splice site in intron 3 of the HADHB gene. It is expected to disrupt RNA splicing. Variants that disrupt the donor or acceptor splice site typically lead to a loss of protein function (PMID: 16199547), and loss-of-function variants in HADHB are known to be pathogenic (PMID: 9259266, 12754706). This variant is present in population databases (no rsID available, gnomAD 0.003%). This variant has not been reported in the literature in individuals affected with HADHB-related conditions. ClinVar contains an entry for this variant (Variation ID: 2097923). Algorithms developed to predict the effect of sequence changes on RNA splicing suggest that this variant may disrupt the consensus splice site. In summary, the currently available evidence indicates that the variant is pathogenic, but additional data are needed to prove that conclusively. Therefore, this variant has been classified as Likely Pathogenic.

Literature cited by the submitters: PubMed 16199547; PubMed 9259266; PubMed 12754706.

NM_000183.3(HADHB):c.110-2A>T

Gene: HADHB (hydroxyacyl-CoA dehydrogenase trifunctional multienzyme complex subunit beta; plus strand). Cytogenetic location: 2p23.3.
Variant type: single nucleotide variant.
Coding change: c.110-2A>T on transcript NM_000183.3 (MANE Select); the canonical splice acceptor site of the intron before coding-DNA position 110, A replaced by T.
Molecular consequence: splice acceptor variant.
Genome position (GRCh38, 1-based): chr2:26,263,378, A>T. VCF-style: chr2-26263378-A-T. GRCh37 (hg19) VCF-style: chr2-26486246-A-T.
Other names: c.44-2A>T (NM_001281513.2); c.110-2A>T (NM_001281512.2).
Identifiers: ClinVar variation 2097923 (VCV002097923.4), dbSNP rs1440619293, ClinGen allele CA346104280.